The following is an entry in ClinVar:

ClinVar aggregate classification (germline): Uncertain significance (1 of 4 stars; one submission).

Conditions:
Catecholaminergic polymorphic ventricular tachycardia 1. Also called: VENTRICULAR TACHYCARDIA, CATECHOLAMINERGIC POLYMORPHIC, 1, WITH OR WITHOUT ATRIAL DYSFUNCTION AND/OR DILATED CARDIOMYOPATHY; RYR2-Related Catecholaminergic Polymorphic Ventricular Tachycardia; VENTRICULAR TACHYCARDIA, STRESS-INDUCED POLYMORPHIC 1. Identifiers: Orphanet 3286, MedGen C1631597, MONDO:0011484, OMIM 604772.

Submission:

Labcorp Genetics (formerly Invitae), Labcorp
Classification: Uncertain significance for Catecholaminergic polymorphic ventricular tachycardia 1. Last evaluated: 2022-01-18. Review status: criteria provided, single submitter. Criteria: Invitae Variant Classification Sherloc (09022015). Collection method: clinical testing. Allele origin: germline.
Comment: In summary, the available evidence is currently insufficient to determine the role of this variant in disease. Therefore, it has been classified as a Variant of Uncertain Significance. Experimental studies and prediction algorithms are not available or were not evaluated, and the functional significance of this variant is currently unknown. This variant has not been reported in the literature in individuals affected with TRDN-related conditions. This variant is a gross deletion of the genomic region encompassing exon(s) 38 of the TRDN gene. This variant would be expected to be in-frame, preserving the integrity of the reading frame.

NC_000006.11:g.(?_123573537)_(123573600_?)del

Gene: TRDN (triadin; minus strand). Cytogenetic location: 6q22.31.
Variant type: Deletion.
Identifiers: ClinVar variation 2425495 (VCV002425495.4).